The following is an entry in ClinVar:

ClinVar aggregate classification (germline): Pathogenic (1 of 4 stars; one submission).

Conditions:
Hereditary breast ovarian cancer syndrome. Also called: Hereditary breast and/or ovarian cancer syndrome; Hereditary breast and ovarian cancer syndrome; Breast and ovarian cancer; Hereditary breast and ovarian cancer syndrome (HBOC); BRCA1- and BRCA2-Associated Hereditary Breast and Ovarian Cancer; Hereditary breast and ovarian cancer. Identifiers: Orphanet 145, MedGen C0677776, MeSH D061325, MONDO:0003582. Disease mechanism: loss of function.

Submission:

Labcorp Genetics (formerly Invitae), Labcorp
Classification: Pathogenic for Hereditary breast ovarian cancer syndrome. Last evaluated: 2025-09-30. Review status: criteria provided, single submitter. Criteria: Invitae Variant Classification Sherloc (09022015). Collection method: clinical testing. Allele origin: germline.
Comment: This sequence change creates a premature translational stop signal (p.Ala3088Profs*16) in the BRCA2 gene. It is expected to result in an absent or disrupted protein product. Loss-of-function variants in BRCA2 are known to be pathogenic (PMID: 20104584). This variant is not present in population databases (gnomAD no frequency). This variant has not been reported in the literature in individuals affected with BRCA2-related conditions. For these reasons, this variant has been classified as Pathogenic.

Literature cited by the submitters: PubMed 20104584.

NM_000059.4(BRCA2):c.9261del (p.Ala3088fs)

Gene: BRCA2 (BRCA2 DNA repair associated; plus strand). Cytogenetic location: 13q13.1.
Variant type: Deletion.
Coding change: c.9261del on transcript NM_000059.4 (MANE Select); coding-DNA position 9261, one base deleted (T; older notation c.9261delT).
Protein change: p.Ala3088fs; shifts the reading frame from alanine 3088.
Molecular consequence: frameshift variant. On other transcripts: non-coding transcript variant (1).
Genome position (GRCh38, 1-based): chr13:32,394,693, T deleted; the last of 2 consecutive T bases (chr13:32,394,692-32,394,693); deleting either gives the same sequence. VCF-style (leftmost placement, unchanged base first): chr13-32394691-CT-C. GRCh37 (hg19) VCF-style: chr13-32968828-CT-C.
Other names: c.9165del, p.Ala3056fs (NM_001406719.1); c.9210del, p.Ala3071fs (NM_001406720.1); c.4329del, p.Ala1444fs (NM_001406721.1); c.2844del, p.Ala949fs (NM_001406722.1); c.9261del, p.Ala3088fs (NM_001432077.1); short protein forms A3056fs, A949fs, A1444fs, A3071fs, A3088fs.
Identifiers: ClinVar variation 4728145 (VCV004728145.1).